The following is an entry in ClinVar:

NM_005562.3(LAMC2):c.664C>T (p.Gln222Ter)

Gene: LAMC2 (laminin subunit gamma 2; plus strand). Cytogenetic location: 1q25.3.
Variant type: single nucleotide variant.
Coding change: c.664C>T on transcript NM_005562.3 (MANE Select); coding-DNA position 664, C replaced by T.
Protein change: p.Gln222Ter; replaces glutamine 222 with a stop codon.
Molecular consequence: nonsense.
Genome position (GRCh38, 1-based): chr1:183,222,112, C>T. VCF-style: chr1-183222112-C-T. GRCh37 (hg19) VCF-style: chr1-183191247-C-T.
Other names: c.664C>T, p.Gln222Ter (NM_018891.3); short protein forms Q222*.
Identifiers: ClinVar variation 1451372 (VCV001451372.6), dbSNP rs2102222177, ClinGen allele CA343678269.

ClinVar aggregate classification (germline): Pathogenic (1 of 4 stars; one submission).

Submission:

Labcorp Genetics (formerly Invitae), Labcorp
Classification: Pathogenic. Last evaluated: 2021-01-20. Review status: criteria provided, single submitter. Criteria: Invitae Variant Classification Sherloc (09022015). Collection method: clinical testing. Allele origin: germline.
Comment: For these reasons, this variant has been classified as Pathogenic. This variant has not been reported in the literature in individuals with LAMC2-related conditions. This variant is not present in population databases (ExAC no frequency). This sequence change creates a premature translational stop signal (p.Gln222*) in the LAMC2 gene. It is expected to result in an absent or disrupted protein product. Loss-of-function variants in LAMC2 are known to be pathogenic (PMID: 11907499, 16473856).

Literature cited by the submitters: PubMed 11907499; PubMed 16473856.